The following is an entry in ClinVar:

ClinVar aggregate classification (germline): Uncertain significance (1 of 4 stars; one submission).

Conditions:
Cardiovascular phenotype. Identifiers: MedGen CN230736.

Allele frequency attached by ClinVar (database versions not stated): TOPMed below 0.00001.
gnomAD v4.1: 15 of 1,549,924 alleles (0.00097%); highest among the groups gnomAD compares: Non-Finnish European, 0.0011%; no homozygotes.

Submission:

Ambry Genetics
Classification: Uncertain significance for Cardiovascular phenotype. Last evaluated: 2023-12-14. Review status: criteria provided, single submitter. Criteria: Ambry Variant Classification Scheme 2023. Collection method: clinical testing. Allele origin: germline.
Comment: The p.V513L variant (also known as c.1537G>C), located in coding exon 2 of the TNXB gene, results from a G to C substitution at nucleotide position 1537. The valine at codon 513 is replaced by leucine, an amino acid with highly similar properties. This amino acid position is conserved. In addition, this alteration is predicted to be tolerated by in silico analysis. Since supporting evidence is limited at this time, the clinical significance of this alteration remains unclear.

NM_001365276.2(TNXB):c.1537G>C (p.Val513Leu)

Gene: TNXB (tenascin XB; minus strand). Cytogenetic location: 6p21.33.
Variant type: single nucleotide variant.
Coding change: c.1537G>C on transcript NM_001365276.2 (MANE Select); coding-DNA position 1537, G replaced by C.
Protein change: p.Val513Leu; replaces valine 513 with leucine.
Molecular consequence: missense variant.
Genome position (GRCh38, 1-based): chr6:32,096,316, C>G on the plus strand (G>C on the coding strand, the complement: TNXB is on the minus strand). VCF-style: chr6-32096316-C-G. GRCh37 (hg19) VCF-style: chr6-32064093-C-G.
Other names: c.1537G>C, p.Val513Leu (NM_001428335.1, NM_019105.8); short protein forms V513L.
Identifiers: ClinVar variation 3227241 (VCV003227241.1), dbSNP rs750273126, ClinGen allele CA3735661.